The following is an entry in ClinVar:

ClinVar aggregate classification (germline): Uncertain significance. Review status: criteria provided, multiple submitters, no conflicts (2 of 4 stars). 3 submissions from 3 submitters: Uncertain significance (3). Last evaluated 2026-01-05.

Conditions:
Cranioectodermal dysplasia 3 (CED3). Identifiers: Orphanet 1515, MedGen C3279807, MONDO:0013573, OMIM 614099.
Short-rib thoracic dysplasia 18 with polydactyly. Identifiers: MedGen C4693420, MONDO:0036483, OMIM 617866.
Retinitis pigmentosa 81 (RP81). Identifiers: MedGen C4693443, MONDO:0036482, OMIM 617871.

Allele frequency attached by ClinVar (database versions not stated): gnomAD 0.00003; gnomAD exomes 0.00003 and 0.00010; TOPMed 0.00006; ExAC 0.00007; ESP Exome Variant Server 0.00008.
gnomAD v4.1: 49 of 1,593,788 alleles (0.0031%); highest among the groups gnomAD compares: Middle Eastern, 0.066%; no homozygotes.

Submissions (3):

Labcorp Genetics (formerly Invitae), Labcorp
Classification: Uncertain significance. Last evaluated: 2026-01-05. Review status: criteria provided, single submitter. Criteria: Invitae Variant Classification Sherloc (09022015). Collection method: clinical testing. Allele origin: germline.
Comment: This sequence change replaces proline, which is neutral and non-polar, with leucine, which is neutral and non-polar, at codon 127 of the IFT43 protein (p.Pro127Leu). This variant is present in population databases (rs202182087, gnomAD 0.02%). This variant has not been reported in the literature in individuals affected with IFT43-related conditions. ClinVar contains an entry for this variant (Variation ID: 1016616). An algorithm developed to predict the effect of missense changes on protein structure and function (PolyPhen-2) suggests that this variant is likely to be disruptive. In summary, the available evidence is currently insufficient to determine the role of this variant in disease. Therefore, it has been classified as a Variant of Uncertain Significance.

Fulgent Genetics
Classification: Uncertain significance for Cranioectodermal dysplasia 3; Short-rib thoracic dysplasia 18 with polydactyly; Retinitis pigmentosa 81. Last evaluated: 2024-05-23. Review status: criteria provided, single submitter. Criteria: ACMG Guidelines, 2015. Collection method: clinical testing. Allele origin: germline.

Ambry Genetics
Classification: Uncertain significance. Last evaluated: 2021-06-21. Review status: criteria provided, single submitter. Criteria: Ambry Variant Classification Scheme 2023. Collection method: clinical testing. Allele origin: germline.

NM_001102564.3(IFT43):c.365C>T (p.Pro122Leu)

Gene: IFT43 (intraflagellar transport 43; plus strand). Cytogenetic location: 14q24.3.
Variant type: single nucleotide variant.
Coding change: c.365C>T on transcript NM_001102564.3 (MANE Select); coding-DNA position 365, C replaced by T.
Protein change: p.Pro122Leu; replaces proline 122 with leucine.
Molecular consequence: missense variant. On other transcripts: non-coding transcript variant (2).
Genome position (GRCh38, 1-based): chr14:76,082,364, C>T. VCF-style: chr14-76082364-C-T. GRCh37 (hg19) VCF-style: chr14-76548707-C-T.
Other names: c.380C>T, p.Pro127Leu (NM_052873.3); c.380C>T (NM_052873.2); short protein forms P122L, P127L.
Identifiers: ClinVar variation 1016616 (VCV001016616.6), dbSNP rs202182087, ClinGen allele CA7280847.